The following is an entry in ClinVar:

ClinVar aggregate classification (germline): Likely benign (1 of 4 stars; one submission).

Allele frequency attached by ClinVar (database versions not stated): gnomAD 0.00001; TOPMed 0.00001.
gnomAD v4.1: 11 of 1,607,694 alleles (0.00068%); highest among the groups gnomAD compares: Middle Eastern, 0.05%; no homozygotes.

Submission:

CeGaT Center for Human Genetics Tuebingen
Classification: Likely benign. Last evaluated: 2023-04-01. Review status: criteria provided, single submitter. Criteria: CeGaT Center For Human Genetics Tuebingen Variant Classification Criteria Version 2. Collection method: clinical testing. Allele origin: germline. Affected: yes. Observed: 1 variant allele.
Comment: YIF1B: BP4, BP7

NM_001039672.3(YIF1B):c.828A>G (p.Ala276=)

Gene: YIF1B (Yip1 interacting factor homolog B, membrane trafficking protein; minus strand). Cytogenetic location: 19q13.2.
Variant type: single nucleotide variant.
Coding change: c.828A>G on transcript NM_001039672.3 (MANE Select); coding-DNA position 828, A replaced by G.
Protein change: p.Ala276=; no amino-acid change (alanine 276 retained).
Molecular consequence: synonymous variant. On other transcripts: 3 prime UTR variant (1).
Genome position (GRCh38, 1-based): chr19:38,305,469, T>C on the plus strand (A>G on the coding strand, the complement: YIF1B is on the minus strand). VCF-style: chr19-38305469-T-C. GRCh37 (hg19) VCF-style: chr19-38796109-T-C.
Other names: c.783A>G, p.Ala261= (NM_001039671.3); c.819A>G, p.Ala273= (NM_001039673.3); c.777A>G, p.Ala259= (NM_001145461.2); c.735A>G, p.Ala245= (NM_001145462.2); c.*20A>G (NM_001145463.2).
Identifiers: ClinVar variation 2649786 (VCV002649786.24), dbSNP rs1461875388, ClinGen allele CA507230588.